The following is an entry in ClinVar:

ClinVar aggregate classification (germline): Uncertain significance (1 of 4 stars; one submission).

Conditions:
Gamma-aminobutyric acid transaminase deficiency (GABATD). Also called: GABA transaminase deficiency; Gamma aminobutyrate transaminase deficiency; 4 alpha aminobutyrate transaminase deficiency; GABA aminotransaminase deficiency. Identifiers: Orphanet 2066, MedGen C0342708, MONDO:0013166, OMIM 613163.

Submission:

Labcorp Genetics (formerly Invitae), Labcorp
Classification: Uncertain significance for Gamma-aminobutyric acid transaminase deficiency. Last evaluated: 2022-06-24. Review status: criteria provided, single submitter. Criteria: Invitae Variant Classification Sherloc (09022015). Collection method: clinical testing. Allele origin: germline.
Comment: This sequence change replaces histidine, which is basic and polar, with asparagine, which is neutral and polar, at codon 27 of the ABAT protein (p.His27Asn). This variant is not present in population databases (gnomAD no frequency). This variant has not been reported in the literature in individuals affected with ABAT-related conditions. In summary, the available evidence is currently insufficient to determine the role of this variant in disease. Therefore, it has been classified as a Variant of Uncertain Significance. Algorithms developed to predict the effect of missense changes on protein structure and function (SIFT, PolyPhen-2, Align-GVGD) all suggest that this variant is likely to be tolerated.

NM_020686.6(ABAT):c.79C>A (p.His27Asn)

Gene: ABAT (4-aminobutyrate aminotransferase; plus strand). Cytogenetic location: 16p13.2.
Variant type: single nucleotide variant.
Coding change: c.79C>A on transcript NM_020686.6 (MANE Select); coding-DNA position 79, C replaced by A.
Protein change: p.His27Asn; replaces histidine 27 with asparagine.
Molecular consequence: missense variant. On other transcripts: 5 prime UTR variant (3), intron variant (2).
Genome position (GRCh38, 1-based): chr16:8,746,009, C>A. VCF-style: chr16-8746009-C-A. GRCh37 (hg19) VCF-style: chr16-8839866-C-A.
Other names: c.79C>A, p.His27Asn (NM_000663.5, NM_001127448.2, NM_001386600.1 and 11 more transcripts); c.-57C>A (NM_001386611.1, NM_001386612.1, NM_001386613.1); c.71-2099C>A (NM_001386610.1); c.70+10200C>A (NM_001386614.1); short protein forms H27N.
Identifiers: ClinVar variation 2010296 (VCV002010296.4), dbSNP rs2549007760, ClinGen allele CA394692138.
Genomic context (GRCh38, chr16:8,746,009, plus strand): 5'-CTCATGATCTCTGCTGTCACCAGGGATTTCTCATTGTCTTTGTTTACTGCAGGATCCAGA[C>A]ACATTAGTCAAGCTGCAGCCAAAGTCGACGTTGAATTTGATTATGATGGGCCTCTGATGA-3'
Protein context (NP_065737.2, residues 17-37): SYRLLVPGSR[His27Asn]ISQAAAKVDV